The following is an entry in ClinVar:

ClinVar aggregate classification (germline): Uncertain significance (1 of 4 stars; one submission).

Conditions:
Inborn genetic diseases. Identifiers: MedGen C0950123, MeSH D030342.

gnomAD v4.1: 2 of 1,613,992 alleles (0.00012%); highest among the groups gnomAD compares: Non-Finnish European, 0.00017%; no homozygotes.

Submission:

Ambry Genetics
Classification: Uncertain significance for Inborn genetic diseases. Last evaluated: 2025-09-20. Review status: criteria provided, single submitter. Criteria: Ambry Variant Classification Scheme 2023. Collection method: clinical testing. Allele origin: germline.
Comment: The p.A461E variant (also known as c.1382C>A), located in coding exon 1 of the SAMD9 gene, results from a C to A substitution at nucleotide position 1382. The alanine at codon 461 is replaced by glutamic acid, an amino acid with dissimilar properties. This amino acid position is conserved. In addition, this alteration is predicted to be tolerated by in silico analysis. Based on the available evidence, the clinical significance of this variant remains unclear.

NM_017654.4(SAMD9):c.1382C>A (p.Ala461Glu)

Gene: SAMD9 (sterile alpha motif domain containing 9; minus strand). Cytogenetic location: 7q21.2.
Variant type: single nucleotide variant.
Coding change: c.1382C>A on transcript NM_017654.4 (MANE Select); coding-DNA position 1382, C replaced by A.
Protein change: p.Ala461Glu; replaces alanine 461 with glutamic acid.
Molecular consequence: missense variant.
Genome position (GRCh38, 1-based): chr7:93,104,716, G>T on the plus strand (C>A on the coding strand, the complement: SAMD9 is on the minus strand). VCF-style: chr7-93104716-G-T. GRCh37 (hg19) VCF-style: chr7-92734029-G-T.
Other names: c.1382C>A, p.Ala461Glu (NM_001193307.2); short protein forms A461E.
Identifiers: ClinVar variation 4629810 (VCV004629810.1).